The following is an entry in ClinVar:

ClinVar aggregate classification (germline): Uncertain significance (1 of 4 stars; one submission).

Submission:

Labcorp Genetics (formerly Invitae), Labcorp
Classification: Uncertain significance. Last evaluated: 2023-08-04. Review status: criteria provided, single submitter. Criteria: Invitae Variant Classification Sherloc (09022015). Collection method: clinical testing. Allele origin: germline.
Comment: This variant results in a copy number gain of the genomic region encompassing exon(s) 4-5 of the FGF12 gene. This region includes the termination codon of the gene. This copy number gain extends beyond the assayed region for this gene and therefore may encompass additional genes. As the precise location of this event is unknown, it may be in tandem or it may be located elsewhere in the genome. A similar copy number variant has been observed in individual(s) with Ebstein anomaly (PMID: 29216221). Experimental studies and prediction algorithms are not available or were not evaluated, and the functional significance of this variant is currently unknown. In summary, the available evidence is currently insufficient to determine the role of this variant in disease. Therefore, it has been classified as a Variant of Uncertain Significance.

Literature cited by the submitters: PubMed 29216221.

NC_000003.11:g.(?_191861798)_(191888465_?)dup

Gene: FGF12 (fibroblast growth factor 12; minus strand). Cytogenetic location: 3q28.
Variant type: Duplication.
Identifiers: ClinVar variation 2426653 (VCV002426653.3).